The following is an entry in ClinVar:

ClinVar aggregate classification (germline): Uncertain significance (1 of 4 stars; one submission).

Submission:

Ambry Genetics
Classification: Uncertain significance. Last evaluated: 2026-05-19. Review status: criteria provided, single submitter. Criteria: Ambry Variant Classification Scheme 2023. Collection method: clinical testing. Allele origin: germline.
Comment: The p.V534I variant (also known as c.1600G>A), located in coding exon 9 of the PALLD gene, results from a G to A substitution at nucleotide position 1600. The valine at codon 534 is replaced by isoleucine, an amino acid with highly similar properties. This amino acid position is conserved. In addition, this alteration is predicted to be tolerated by in silico analysis. Based on the available evidence, the clinical significance of this variant remains unclear.

NM_001166108.2(PALLD):c.3112G>A (p.Val1038Ile)

Genes: CBR4 (carbonyl reductase 4; minus strand), PALLD (palladin, cytoskeletal associated protein; plus strand). Cytogenetic location: 4q32.3.
Variant type: single nucleotide variant.
Coding change: c.3112G>A on transcript NM_001166108.2 (MANE Select); coding-DNA position 3112, G replaced by A.
Protein change: p.Val1038Ile; replaces valine 1038 with isoleucine.
Molecular consequence: missense variant.
Genome position (GRCh38, 1-based): chr4:168,924,308, G>A. VCF-style: chr4-168924308-G-A. GRCh37 (hg19) VCF-style: chr4-169845459-G-A.
Other names: c.1915G>A, p.Val639Ile (NM_001166109.2); c.1600G>A, p.Val534Ile (NM_001166110.2); c.940G>A, p.Val314Ile (NM_001367567.1, NM_001367569.1); c.991G>A, p.Val331Ile (NM_001367568.1, NM_001367570.1); c.3061G>A, p.Val1021Ile (NM_016081.4); short protein forms V1021I, V1038I, V314I, V331I, V534I, V639I.
Identifiers: ClinVar variation 4861559 (VCV004861559.1).